The following is an entry in ClinVar:

ClinVar aggregate classification (germline): Uncertain significance. Review status: criteria provided, multiple submitters, no conflicts (2 of 4 stars). 2 submissions from 2 submitters: Uncertain significance (2). Last evaluated 2022-03-09.

Conditions:
Facioscapulohumeral muscular dystrophy 2 (FSHD2). Also called: MUSCULAR DYSTROPHY, FACIOSCAPULOHUMERAL, TYPE 1B; FACIOSCAPULOHUMERAL MUSCULAR DYSTROPHY 2, DIGENIC; FSHD2, DIGENIC. Identifiers: Orphanet 269, MedGen C1834671, MONDO:0008031, OMIM 158901.

Allele frequency attached by ClinVar (database versions not stated): TOPMed 0.00001.
gnomAD v4.1: 3 of 1,612,912 alleles (0.00019%); highest among the groups gnomAD compares: African/African-American, 0.0027%; no homozygotes.

Submissions (2):

Labcorp Genetics (formerly Invitae), Labcorp
Classification: Uncertain significance for Facioscapulohumeral muscular dystrophy 2. Last evaluated: 2022-03-09. Review status: criteria provided, single submitter. Criteria: Invitae Variant Classification Sherloc (09022015). Collection method: clinical testing. Allele origin: germline.
Comment: In summary, the available evidence is currently insufficient to determine the role of this variant in disease. Therefore, it has been classified as a Variant of Uncertain Significance. Algorithms developed to predict the effect of sequence changes on RNA splicing suggest that this variant may create or strengthen a splice site. Algorithms developed to predict the effect of missense changes on protein structure and function are either unavailable or do not agree on the potential impact of this missense change (SIFT: "Deleterious"; PolyPhen-2: "Possibly Damaging"; Align-GVGD: "Class C15"). ClinVar contains an entry for this variant (Variation ID: 498348). This variant has not been reported in the literature in individuals affected with SMCHD1-related conditions. The frequency data for this variant in the population databases is considered unreliable, as metrics indicate poor data quality at this position in the gnomAD database. This sequence change replaces arginine, which is basic and polar, with cysteine, which is neutral and slightly polar, at codon 1239 of the SMCHD1 protein (p.Arg1239Cys).

Eurofins Ntd Llc (ga)
Classification: Uncertain significance. Last evaluated: 2016-11-23. Review status: criteria provided, single submitter. Criteria: EGL Classification Definitions 2015. Collection method: clinical testing. Allele origin: germline. Observed: 1 variant allele, 1 heterozygote.

NM_015295.3(SMCHD1):c.3715C>T (p.Arg1239Cys)

Gene: SMCHD1 (structural maintenance of chromosomes flexible hinge domain containing 1; plus strand). Cytogenetic location: 18p11.32.
Variant type: single nucleotide variant.
Coding change: c.3715C>T on transcript NM_015295.3 (MANE Select); coding-DNA position 3715, C replaced by T.
Protein change: p.Arg1239Cys; replaces arginine 1239 with cysteine.
Molecular consequence: missense variant.
Genome position (GRCh38, 1-based): chr18:2,743,842, C>T. VCF-style: chr18-2743842-C-T. GRCh37 (hg19) VCF-style: chr18-2743840-C-T.
Other names: short protein forms R1239C.
Identifiers: ClinVar variation 498348 (VCV000498348.14), dbSNP rs771294371, ClinGen allele CA401689573.